The following is an entry in ClinVar:

ClinVar aggregate classification (germline): Conflicting classifications of pathogenicity. Review status: criteria provided, conflicting classifications (1 of 4 stars). 4 submissions from 4 submitters: Uncertain significance (2); Likely benign (1). 1 of the submissions does not count toward it. Last evaluated 2025-08-29.

Conditions:
Naxos disease (NXD). Also called: CARDIOMYOPATHY, ARRHYTHMOGENIC RIGHT VENTRICULAR, WITH SKIN, HAIR, AND NAIL ABNORMALITIES; WOOLLY HAIR, PALMOPLANTAR KERATODERMA, AND CARDIAC ABNORMALITIES; KERATOSIS PALMOPLANTARIS WITH ARRHYTHMOGENIC CARDIOMYOPATHY; MAL DE NAXOS; PALMOPLANTAR KERATODERMA WITH ARRHYTHMOGENIC RIGHT VENTRICULAR CARDIOMYOPATHY AND WOOLLY HAIR. Identifiers: Orphanet 34217, MedGen C1832600, MONDO:0011017, OMIM 601214.
Arrhythmogenic right ventricular dysplasia 12. Also called: ARRHYTHMOGENIC RIGHT VENTRICULAR DYSPLASIA, FAMILIAL, 12. Identifiers: MedGen C1969081, MONDO:0012684, OMIM 611528.
JUP-related disorder. Also called: JUP-related condition.
Cardiovascular phenotype. Identifiers: MedGen CN230736.

Allele frequency attached by ClinVar (database versions not stated): gnomAD exomes 0.00001 and 0.00003; ExAC 0.00003; gnomAD 0.00005 and 0.00006; TOPMed 0.00005; ESP Exome Variant Server 0.00008.
gnomAD v4.1: 21 of 1,613,648 alleles (0.0013%); highest among the groups gnomAD compares: African/African-American, 0.017%; no homozygotes.

Submissions (4):

Labcorp Genetics (formerly Invitae), Labcorp
Classification: Uncertain significance for Arrhythmogenic right ventricular dysplasia 12; Naxos disease. Last evaluated: 2025-08-29. Review status: criteria provided, single submitter. Criteria: Invitae Variant Classification Sherloc (09022015). Collection method: clinical testing. Allele origin: germline.
Comment: This sequence change replaces alanine, which is neutral and non-polar, with threonine, which is neutral and polar, at codon 260 of the JUP protein (p.Ala260Thr). This variant is present in population databases (rs149623442, gnomAD 0.008%). This missense change has been observed in individual(s) with dilated cardiomyopathy (PMID: 36178741). ClinVar contains an entry for this variant (Variation ID: 961302). An algorithm developed to predict the effect of missense changes on protein structure and function (PolyPhen-2) suggests that this variant is likely to be tolerated. In summary, the available evidence is currently insufficient to determine the role of this variant in disease. Therefore, it has been classified as a Variant of Uncertain Significance.

Ambry Genetics
Classification: Likely benign for Cardiovascular phenotype. Last evaluated: 2022-06-16. Review status: criteria provided, single submitter. Criteria: Ambry Variant Classification Scheme 2023. Collection method: clinical testing. Allele origin: germline.

GeneDx
Classification: Uncertain significance. Last evaluated: 2022-05-11. Review status: criteria provided, single submitter. Criteria: GeneDx Variant Classification Process June 2021. Collection method: clinical testing. Allele origin: germline. Affected: yes.
Comment: Reported in an individual with neonatal dilated cardiomyopathy, left ventricular hypertrophy, and extracardiac features; the variant was inherited from the unaffected father (Herkert et al., 2018); In silico analysis supports that this missense variant does not alter protein structure/function; This variant is associated with the following publications: (PMID: 29517769)

PreventionGenetics, part of Exact Sciences
Classification: Uncertain significance for JUP-related condition. Last evaluated: 2024-05-31. Review status: no assertion criteria provided. Collection method: clinical testing. Allele origin: germline. Not counted in ClinVar's aggregate classification.
Comment: The JUP c.778G>A variant is predicted to result in the amino acid substitution p.Ala260Thr. This variant was reported in an individual with pediatric dilated cardiomyopathy and left ventricular hypertrophy; however, this variant was also found in the unaffected father (Patient F23P1 in Table 3 and Table S2, Herkert et al. 2018. PubMed ID: 29517769; Supplemental Table II, van der Meulen et al. 2022. PubMed ID: 36178741). This variant is reported in 0.012% of alleles in individuals of African descent in gnomAD. At this time, the clinical significance of this variant is uncertain due to the absence of conclusive functional and genetic evidence.

Literature cited by the submitters: PubMed 36178741 (cited by Labcorp Genetics (formerly Invitae), Labcorp); PubMed 29517769 (cited by Ambry Genetics).

NM_002230.4(JUP):c.778G>A (p.Ala260Thr)

Gene: JUP (junction plakoglobin; minus strand). Cytogenetic location: 17q21.2.
Variant type: single nucleotide variant.
Coding change: c.778G>A on transcript NM_002230.4 (MANE Select); coding-DNA position 778, G replaced by A.
Protein change: p.Ala260Thr; replaces alanine 260 with threonine.
Molecular consequence: missense variant.
Genome position (GRCh38, 1-based): chr17:41,767,510, C>T on the plus strand (G>A on the coding strand, the complement: JUP is on the minus strand). VCF-style: chr17-41767510-C-T. GRCh37 (hg19) VCF-style: chr17-39923762-C-T.
Other names: c.778G>A, p.Ala260Thr (NM_001352773.2, NM_001352774.2, NM_001352775.2 and 3 more transcripts); c.778G>A (NM_021991.2); short protein forms A260T.
Identifiers: ClinVar variation 961302 (VCV000961302.14), dbSNP rs149623442, ClinGen allele CA8565382.